The following is an entry in ClinVar:

ClinVar aggregate classification (germline): Uncertain significance (1 of 4 stars; one submission).

Conditions:
Autosomal dominant childhood-onset proximal spinal muscular atrophy with contractures (SMALED2A). Also called: Spinal muscular atrophy, lower extremity-predominant, 2A, autosomal dominant; SPINAL MUSCULAR ATROPHY, LOWER EXTREMITY-PREDOMINANT, 2A, CHILDHOOD ONSET, AUTOSOMAL DOMINANT. Identifiers: Orphanet 363447, Orphanet 363454, MedGen C4747715, MONDO:0014121, OMIM 615290.

Allele frequency attached by ClinVar (database versions not stated): TOPMed 0.00001.

Submission:

Labcorp Genetics (formerly Invitae), Labcorp
Classification: Uncertain significance for Autosomal dominant childhood-onset proximal spinal muscular atrophy with contractures. Last evaluated: 2020-02-13. Review status: criteria provided, single submitter. Criteria: Invitae Variant Classification Sherloc (09022015). Collection method: clinical testing. Allele origin: germline.
Comment: This variant is not present in population databases (ExAC no frequency). This sequence change replaces valine with leucine at codon 824 of the BICD2 protein (p.Val824Leu). The valine residue is moderately conserved and there is a small physicochemical difference between valine and leucine. Algorithms developed to predict the effect of missense changes on protein structure and function are either unavailable or do not agree on the potential impact of this missense change (SIFT: "Tolerated"; PolyPhen-2: "Probably Damaging"; Align-GVGD: "Class C0"). In summary, the available evidence is currently insufficient to determine the role of this variant in disease. Therefore, it has been classified as a Variant of Uncertain Significance. This variant has not been reported in the literature in individuals with BICD2-related conditions.

NM_001003800.2(BICD2):c.2470G>C (p.Val824Leu)

Gene: BICD2 (BICD cargo adaptor 2; minus strand). Cytogenetic location: 9q22.31.
Variant type: single nucleotide variant.
Coding change: c.2470G>C on transcript NM_001003800.2 (MANE Select); coding-DNA position 2470, G replaced by C.
Protein change: p.Val824Leu; replaces valine 824 with leucine.
Molecular consequence: missense variant. On other transcripts: splice donor variant (1).
Genome position (GRCh38, 1-based): chr9:92,715,252, C>G on the plus strand (G>C on the coding strand, the complement: BICD2 is on the minus strand). VCF-style: chr9-92715252-C-G. GRCh37 (hg19) VCF-style: chr9-95477534-C-G.
Other names: c.2469+1G>C (NM_015250.4); short protein forms V824L.
Identifiers: ClinVar variation 1044474 (VCV001044474.12), dbSNP rs774445661, ClinGen allele CA374029633.